The following is an entry in ClinVar:

NM_001005498.4(RHBDF2):c.2265C>T (p.Ala755=)

Gene: RHBDF2 (rhomboid 5 homolog 2; minus strand). Cytogenetic location: 17q25.1.
Variant type: single nucleotide variant.
Coding change: c.2265C>T on transcript NM_001005498.4 (MANE Select); coding-DNA position 2265, C replaced by T.
Protein change: p.Ala755=; no amino-acid change (alanine 755 retained).
Molecular consequence: synonymous variant. On other transcripts: non-coding transcript variant (3).
Genome position (GRCh38, 1-based): chr17:76,471,852, G>A on the plus strand (C>T on the coding strand, the complement: RHBDF2 is on the minus strand). VCF-style: chr17-76471852-G-A. GRCh37 (hg19) VCF-style: chr17-74467934-G-A.
Other names: c.2265C>T, p.Ala755= (NM_001376228.1, NM_001376229.1, NM_001376230.1); c.2352C>T, p.Ala784= (NM_024599.5).
Identifiers: ClinVar variation 325422 (VCV000325422.42), dbSNP rs115094923, ClinGen allele CA8786700.

ClinVar aggregate classification (germline): Benign/Likely benign. Review status: criteria provided, multiple submitters, no conflicts (2 of 4 stars). 6 submissions from 6 submitters: Benign (3); Likely benign (3). Last evaluated 2025-12-21.

Conditions:
Palmoplantar keratoderma-esophageal carcinoma syndrome (TOC). Also called: Tylosis with Esophageal Cancer; KERATOSIS PALMARIS ET PLANTARIS WITH ESOPHAGEAL CANCER; PALMOPLANTAR KERATODERMA WITH ESOPHAGEAL CANCER. Identifiers: Orphanet 2198, MedGen C1835664, MONDO:0007856, OMIM 148500.

Allele frequency attached by ClinVar (database versions not stated): gnomAD exomes 0.00029 and 0.00070; ExAC 0.00154; gnomAD 0.00264 and 0.00277; TOPMed 0.00316; ESP Exome Variant Server 0.00346; 1000 Genomes Project 0.00459; 1000 Genomes Project 30x 0.00468.
gnomAD v4.1: 864 of 1,591,892 alleles (0.054%); highest among the groups gnomAD compares: African/African-American, 0.99%; 7 homozygotes.

Submissions (6):

Labcorp Genetics (formerly Invitae), Labcorp
Classification: Benign. Last evaluated: 2025-12-21. Review status: criteria provided, single submitter. Criteria: Invitae Variant Classification Sherloc (09022015). Collection method: clinical testing. Allele origin: germline.

CeGaT Center for Human Genetics Tuebingen
Classification: Likely benign. Last evaluated: 2024-10-01. Review status: criteria provided, single submitter. Criteria: CeGaT Center For Human Genetics Tuebingen Variant Classification Criteria Version 2. Collection method: clinical testing. Allele origin: germline. Affected: yes. Observed: 2 variant alleles.
Comment: RHBDF2: BP4, BP7

Blueprint Genetics
Classification: Likely benign. Last evaluated: 2024-04-11. Review status: criteria provided, single submitter. Criteria: ACMG Guidelines, 2015. Collection method: clinical testing. Allele origin: germline.

KCCC/NGS Laboratory, Kuwait Cancer Control Center
Classification: Likely benign for Palmoplantar keratoderma-esophageal carcinoma syndrome. Last evaluated: 2023-07-07. Review status: criteria provided, single submitter. Criteria: ACMG Guidelines, 2015. Collection method: clinical testing. Allele origin: germline. Affected: yes.

Illumina Laboratory Services, Illumina
Classification: Benign for Palmoplantar keratoderma-esophageal carcinoma syndrome. Last evaluated: 2018-01-13. Review status: criteria provided, single submitter. Criteria: ICSL Variant Classification Criteria 13 December 2019. Collection method: clinical testing. Allele origin: germline.
Comment: This variant was observed in the ICSL laboratory as part of a predisposition screen in an ostensibly healthy population. It had not been previously curated by ICSL or reported in the Human Gene Mutation Database (HGMD: prior to June 1st, 2018), and was therefore a candidate for classification through an automated scoring system. Utilizing variant allele frequency, disease prevalence and penetrance estimates, and inheritance mode, an automated score was calculated to assess if this variant is too frequent to cause the disease. Based on the score and internal cut-off values, a variant classified as benign is not then subjected to further curation. The score for this variant resulted in a classification of benign for this disease.

Breakthrough Genomics
Classification: Benign. Review status: criteria provided, single submitter. Criteria: ACMG Guidelines, 2015. Collection method: not provided. Allele origin: germline. Inheritance: Autosomal dominant inheritance. Affected: yes.